The following is an entry in ClinVar:

ClinVar aggregate classification (germline): Benign (1 of 4 stars; one submission).

Allele frequency attached by ClinVar (database versions not stated): 1000 Genomes Project 0.10363; TOPMed 0.13088; 1000 Genomes Project 30x 0.10166.
gnomAD v4.1: 18,465 of 128,440 alleles (14%); highest among the groups gnomAD compares: Non-Finnish European, 18%; 1,562 homozygotes.

Submission:

GeneDx
Classification: Benign. Last evaluated: 2018-06-16. Review status: criteria provided, single submitter. Criteria: GeneDx Variant Classification (06012015). Collection method: clinical testing. Allele origin: germline. Affected: yes.
Comment: This variant is considered likely benign or benign based on one or more of the following criteria: it is a conservative change, it occurs at a poorly conserved position in the protein, it is predicted to be benign by multiple in silico algorithms, and/or has population frequency not consistent with disease.

NM_001379210.1(SLC25A26):c.34-291G>A

Gene: SLC25A26 (solute carrier family 25 member 26; plus strand). Cytogenetic location: 3p14.1.
Variant type: single nucleotide variant.
Coding change: c.34-291G>A on transcript NM_001379210.1 (MANE Select); 291 bases into the intron before coding-DNA position 34, G replaced by A.
Molecular consequence: intron variant.
Genome position (GRCh38, 1-based): chr3:66,236,253, G>A. VCF-style: chr3-66236253-G-A. GRCh37 (hg19) VCF-style: chr3-66286677-G-A.
Other names: c.34-291G>A (NM_173471.4); c.-231-291G>A (NM_001350993.1); c.-74-6950G>A (NM_001164796.1).
Identifiers: ClinVar variation 683879 (VCV000683879.1), dbSNP rs36197639, ClinGen allele CA76476308.